The following is an entry in ClinVar:

NM_004415.4(DSP):c.6419G>A (p.Ser2140Asn)

Gene: DSP (desmoplakin; plus strand). Cytogenetic location: 6p24.3.
Variant type: single nucleotide variant.
Coding change: c.6419G>A on transcript NM_004415.4 (MANE Select); coding-DNA position 6419, G replaced by A.
Protein change: p.Ser2140Asn; replaces serine 2140 with asparagine.
Molecular consequence: missense variant.
Genome position (GRCh38, 1-based): chr6:7,583,681, G>A. VCF-style: chr6-7583681-G-A. GRCh37 (hg19) VCF-style: chr6-7583914-G-A.
Other names: c.4622G>A, p.Ser1541Asn (NM_001008844.3); c.5090G>A, p.Ser1697Asn (NM_001319034.2); short protein forms S1541N, S1697N, S2140N.
Identifiers: ClinVar variation 1330487 (VCV001330487.7), dbSNP rs2113700320, ClinGen allele CA362690751.

ClinVar aggregate classification (germline): Uncertain significance (1 of 4 stars; one submission).

Submission:

ARUP Laboratories, Molecular Genetics and Genomics, ARUP Laboratories
Classification: Uncertain significance. Last evaluated: 2021-07-23. Review status: criteria provided, single submitter. Criteria: ARUP Molecular Germline Variant Investigation Process 2021. Collection method: clinical testing. Allele origin: germline.
Comment: The DSP c.6419G>A; p.Ser2140Asn variant, to our knowledge, is not reported in the medical literature or gene-specific databases. This variant is also absent from general population databases (Exome Variant Server, Genome Aggregation Database), indicating it is not a common polymorphism. The serine at codon 2140 is highly conserved, but computational analyses are uncertain whether this variant is neutral or deleterious (REVEL: 0.346). Due to limited information, the clinical significance of the p.Ser2140Asn variant is uncertain at this time.